The following is an entry in ClinVar:

NM_001005273.3(CHD3):c.4556C>G (p.Pro1519Arg)

Gene: CHD3 (chromodomain helicase DNA binding protein 3; plus strand). Cytogenetic location: 17p13.1.
Variant type: single nucleotide variant.
Coding change: c.4556C>G on transcript NM_001005273.3 (MANE Select); coding-DNA position 4556, C replaced by G.
Protein change: p.Pro1519Arg; replaces proline 1519 with arginine.
Molecular consequence: missense variant.
Genome position (GRCh38, 1-based): chr17:7,906,921, C>G. VCF-style: chr17-7906921-C-G. GRCh37 (hg19) VCF-style: chr17-7810239-C-G.
Other names: c.4733C>G, p.Pro1578Arg (NM_001005271.3); c.4556C>G, p.Pro1519Arg (NM_005852.4); short protein forms P1519R, P1578R.
Identifiers: ClinVar variation 1696545 (VCV001696545.2), dbSNP rs1567868694, ClinGen allele CA397946612.

ClinVar aggregate classification (germline): Uncertain significance. Review status: criteria provided, multiple submitters, no conflicts (2 of 4 stars). 2 submissions from 2 submitters: Uncertain significance (2). Last evaluated 2025-08-06.

Conditions:
Inborn genetic diseases. Identifiers: MedGen C0950123, MeSH D030342.
Snijders Blok-Campeau syndrome. Also called: INTELLECTUAL DEVELOPMENTAL DISORDER WITH MACROCEPHALY, SPEECH DELAY, AND DYSMORPHIC FACIES. Identifiers: Orphanet 599082, MedGen C4748701, MONDO:0032600, OMIM 618205.

Allele frequency attached by ClinVar (database versions not stated): TOPMed 0.00002.

Submissions (2):

Ambry Genetics
Classification: Uncertain significance for Inborn genetic diseases. Last evaluated: 2025-08-06. Review status: criteria provided, single submitter. Criteria: Ambry Variant Classification Scheme 2023. Collection method: clinical testing. Allele origin: germline.

New York Genome Center
Classification: Uncertain significance for Snijders Blok-Campeau syndrome. Last evaluated: 2021-07-16. Review status: criteria provided, single submitter. Criteria: NYGC Assertion Criteria 2020. Collection method: clinical testing. Allele origin: inherited. Observed: 1 heterozygote. Study: CSER-NYCKidSeq.
Comment: The inherited c.4733C>G (p.Pro1578Arg) variant identified in the CHD3 gene substitutes a moderately conserved Proline for Arginine at amino acid 1578/2060 (exon 30/40). This variant is absent from gnomAD(v3.1.1) suggesting it is not a common benign variant in the populations represented in that database. In silico algorithms predict this variant to be Tolerated (SIFT; score: 0.1) and Pathogenic (REVEL; score: 0.648) to the function of the canonical transcript.This variant is absent from ClinVar and to our current knowledge has not been reported in affected individuals in the literature. Given the lack of compelling evidence for its pathogenicity, the c.4733C>G (p.Pro1578Arg) variant identified in the CHD3 gene is reported as a Variant of Uncertain Significance.